The following is an entry in ClinVar:

NM_024876.4(COQ8B):c.1035+7T>C

Gene: COQ8B (coenzyme Q8B; minus strand). Cytogenetic location: 19q13.2.
Variant type: single nucleotide variant.
Coding change: c.1035+7T>C on transcript NM_024876.4 (MANE Select); 7 bases into the intron after coding-DNA position 1035, T replaced by C.
Molecular consequence: intron variant.
Genome position (GRCh38, 1-based): chr19:40,700,303, A>G on the plus strand (T>C on the coding strand, the complement: COQ8B is on the minus strand). VCF-style: chr19-40700303-A-G. GRCh37 (hg19) VCF-style: chr19-41206208-A-G.
Other names: c.912+7T>C (NM_001142555.3).
Identifiers: ClinVar variation 379941 (VCV000379941.18), dbSNP rs2246095, ClinGen allele CA9450190.

ClinVar aggregate classification (germline): Benign. Review status: criteria provided, multiple submitters, no conflicts (2 of 4 stars). 7 submissions from 7 submitters: Benign (6). 1 of the submissions does not count toward it. Last evaluated 2026-02-04.

Conditions:
Nephrotic syndrome, type 9 (NPHS9). Identifiers: Orphanet 656, MedGen C3809965, MONDO:0014257, OMIM 615573.

Allele frequency attached by ClinVar (database versions not stated): gnomAD exomes 0.51607 and 0.53801; ExAC 0.52602; 1000 Genomes Project 0.53754; 1000 Genomes Project 30x 0.54341; gnomAD 0.55661 and 0.56103; TOPMed 0.55942; ESP Exome Variant Server 0.57912.
gnomAD v4.1: 870,718 of 1,612,610 alleles (54%); highest among the groups gnomAD compares: African/African-American, 65%; 237,452 homozygotes.

Submissions (7):

Labcorp Genetics (formerly Invitae), Labcorp
Classification: Benign. Last evaluated: 2026-02-04. Review status: criteria provided, single submitter. Criteria: Invitae Variant Classification Sherloc (09022015). Collection method: clinical testing. Allele origin: germline.

Blueprint Genetics
Classification: Benign. Last evaluated: 2024-11-28. Review status: criteria provided, single submitter. Criteria: ACMG Guidelines, 2015. Collection method: clinical testing. Allele origin: germline.

Unidad de Genómica Garrahan, Hospital de Pediatría Garrahan
Classification: Benign. Last evaluated: 2024-07-15. Review status: criteria provided, single submitter. Criteria: ACMG Guidelines, 2015. Collection method: clinical testing. Allele origin: germline. Affected: no. Observed: 60 variant alleles.
Comment: This variant is classified as Benign based on local population frequency. This variant was detected in 65% of patients studied in a panel designed for Epileptic and Developmental Encephalopathy and Progressive Myoclonus Epilepsy. Number of patients: 60. Only high quality variants are reported.

Genome-Nilou Lab
Classification: Benign for Nephrotic syndrome, type 9. Last evaluated: 2021-07-14. Review status: criteria provided, single submitter. Criteria: ACMG Guidelines, 2015. Collection method: clinical testing. Allele origin: germline. Affected: no.

GeneDx
Classification: Benign. Last evaluated: 2015-12-10. Review status: criteria provided, single submitter. Criteria: GeneDx Variant Classification (06012015). Collection method: clinical testing. Allele origin: germline. Affected: yes.
Comment: This variant is considered likely benign or benign based on one or more of the following criteria: it is a conservative change, it occurs at a poorly conserved position in the protein, it is predicted to be benign by multiple in silico algorithms, and/or has population frequency not consistent with disease.

Breakthrough Genomics
Classification: Benign. Review status: criteria provided, single submitter. Criteria: ACMG Guidelines, 2015. Collection method: not provided. Allele origin: germline. Inheritance: Autosomal recessive inheritance. Affected: yes.

Mayo Clinic Laboratories, Mayo Clinic
Classification: Benign. Last evaluated: 2016-02-19. Review status: no assertion criteria provided. Collection method: clinical testing. Allele origin: unknown. Not counted in ClinVar's aggregate classification.